The following is an entry in ClinVar:

NM_020699.4(GATAD2B):c.287dup (p.Lys97fs)

Gene: GATAD2B (GATA zinc finger domain containing 2B; minus strand). Cytogenetic location: 1q21.3.
Variant type: Duplication.
Coding change: c.287dup on transcript NM_020699.4 (MANE Select); coding-DNA position 287, one base duplicated (G; older notation c.287dupG).
Protein change: p.Lys97fs; shifts the reading frame from lysine 97.
Molecular consequence: frameshift variant.
Genome position (GRCh38, 1-based): chr1:153,828,061, C duplicated on the plus strand (G on the coding strand, the reverse complement: GATAD2B is on the minus strand); the first of 2 consecutive C bases (chr1:153,828,061-153,828,062); duplicating either gives the same sequence. VCF-style (leftmost placement, unchanged base first): chr1-153828060-G-GC. GRCh37 (hg19) VCF-style: chr1-153800536-G-GC.
Other names: short protein forms K97fs.
Identifiers: ClinVar variation 4292119 (VCV004292119.1).

ClinVar aggregate classification (germline): Likely pathogenic (1 of 4 stars; one submission).

Conditions:
Severe intellectual disability-poor language-strabismus-grimacing face-long fingers syndrome (GAND). Also called: GAND SYNDROME. Identifiers: Orphanet 363686, MedGen C3554448, MONDO:0014034, OMIM 615074.

Submission:

3billion
Classification: Likely pathogenic for Severe intellectual disability-poor language-strabismus-grimacing face-long fingers syndrome. Last evaluated: 2024-08-29. Review status: criteria provided, single submitter. Criteria: ACMG Guidelines, 2015. Collection method: clinical testing. Allele origin: germline. Affected: yes.
Comment: The variant is not observed in the gnomAD v4.0.0 dataset. Predicted Consequence/Location: Frameshift: predicted to result in a loss or disruption of normal protein function through nonsense-mediated decay (NMD) or protein truncation. Multiple pathogenic variants are reported downstream of the variant. Therefore, this variant is classified as Likely pathogenic according to the recommendation of ACMG/AMP guideline.